The following is an entry in ClinVar:

ClinVar aggregate classification (germline): Pathogenic. Review status: reviewed by expert panel (3 of 4 stars). 3 submissions from 3 submitters: Pathogenic (1). 2 of the submissions do not count toward it. Last evaluated 2016-09-08.

Conditions:
Breast-ovarian cancer, familial, susceptibility to, 2 (BROVCA2). Also called: BRCA2 Hereditary Breast and Ovarian Cancer. Identifiers: Orphanet 145, MedGen C2675520, MONDO:0012933, OMIM 612555. Disease mechanism: loss of function.

Submissions (3):

Evidence-based Network for the Interpretation of Germline Mutant Alleles (ENIGMA)
Classification: Pathogenic for Breast-ovarian cancer, familial, susceptibility to, 2. Last evaluated: 2016-09-08. Review status: reviewed by expert panel. Criteria: ENIGMA BRCA1/2 Classification Criteria (2015). Collection method: curation. Allele origin: germline.
Comment: Variant allele predicted to encode a truncated non-functional protein.

Consortium of Investigators of Modifiers of BRCA1/2 (CIMBA), c/o University of Cambridge
Classification: Pathogenic for Breast-ovarian cancer, familial, susceptibility to, 2. Last evaluated: 2015-10-02. Review status: criteria provided, single submitter. Criteria: CIMBA Mutation Classification guidelines May 2016. Collection method: clinical testing. Allele origin: germline. Not counted in ClinVar's aggregate classification.

Breast Cancer Information Core (BIC) (BRCA2)
Classification: Pathogenic for Breast-ovarian cancer, familial 2. Last evaluated: 2004-02-20. Review status: no assertion criteria provided. Collection method: clinical testing. Allele origin: germline. Affected: yes. Observed: 1 variant allele. Not counted in ClinVar's aggregate classification.

NM_000059.4(BRCA2):c.756_759del (p.Asp252fs)

Gene: BRCA2 (BRCA2 DNA repair associated; plus strand). Cytogenetic location: 13q13.1.
Variant type: Deletion.
Coding change: c.756_759del on transcript NM_000059.4 (MANE Select); coding-DNA positions 756 to 759, 4 bases deleted (CAGT; older notation c.756_759delCAGT).
Protein change: p.Asp252fs; shifts the reading frame from aspartic acid 252.
Molecular consequence: frameshift variant.
Genome position (GRCh38, 1-based): chr13:32,330,993-32,330,996, CAGT deleted. VCF-style (leftmost placement, unchanged base first): chr13-32330992-ACAGT-A. GRCh37 (hg19) VCF-style: chr13-32905129-ACAGT-A.
Other names: 984del4; c.756_759delCAGT (NM_000059.3).
Identifiers: ClinVar variation 52357 (VCV000052357.3), dbSNP rs80359663, ClinGen allele CA025156.